The following is an entry in ClinVar:

ClinVar aggregate classification (germline): Uncertain significance. Review status: criteria provided, multiple submitters, no conflicts (2 of 4 stars). 8 submissions from 8 submitters: Uncertain significance (8). Last evaluated 2025-02-06.

Conditions:
Familial hypokalemia-hypomagnesemia (GTLMNS). Also called: POTASSIUM AND MAGNESIUM DEPLETION; HYPOMAGNESEMIA-HYPOKALEMIA, PRIMARY RENOTUBULAR, WITH HYPOCALCIURIA; gitelman syndrome. Identifiers: Orphanet 358, MedGen C0268450, MONDO:0009904, OMIM 263800.

Allele frequency attached by ClinVar (database versions not stated): gnomAD 0.00008 and 0.00011; TOPMed 0.00011; ESP Exome Variant Server 0.00015; 1000 Genomes Project 30x 0.00016; ExAC 0.00016; 1000 Genomes Project 0.00020.

Submissions (8):

Revvity Omics, Revvity
Classification: Uncertain significance for Familial hypokalemia-hypomagnesemia. Last evaluated: 2025-02-06. Review status: criteria provided, single submitter. Criteria: ACMG Guidelines, 2015. Collection method: clinical testing. Allele origin: germline.

Labcorp Genetics (formerly Invitae), Labcorp
Classification: Uncertain significance. Last evaluated: 2024-12-03. Review status: criteria provided, single submitter. Criteria: Invitae Variant Classification Sherloc (09022015). Collection method: clinical testing. Allele origin: germline.
Comment: This sequence change replaces alanine, which is neutral and non-polar, with valine, which is neutral and non-polar, at codon 569 of the SLC12A3 protein (p.Ala569Val). This variant is present in population databases (rs79351185, gnomAD 0.06%). This missense change has been observed in individuals with clinical features of Gitelman syndrome (PMID: 20810575, 26041598, 26770037, 30596175, 32884933, 34373523). ClinVar contains an entry for this variant (Variation ID: 225468). Invitae Evidence Modeling of protein sequence and biophysical properties (such as structural, functional, and spatial information, amino acid conservation, physicochemical variation, residue mobility, and thermodynamic stability) indicates that this missense variant is not expected to disrupt SLC12A3 protein function with a negative predictive value of 95%. In summary, the available evidence is currently insufficient to determine the role of this variant in disease. Therefore, it has been classified as a Variant of Uncertain Significance.

Fulgent Genetics
Classification: Uncertain significance for Familial hypokalemia-hypomagnesemia. Last evaluated: 2024-06-23. Review status: criteria provided, single submitter. Criteria: ACMG Guidelines, 2015. Collection method: clinical testing. Allele origin: germline.

Blueprint Genetics
Classification: Uncertain significance. Last evaluated: 2024-04-18. Review status: criteria provided, single submitter. Criteria: ACMG Guidelines, 2015. Collection method: clinical testing. Allele origin: germline.

Genome-Nilou Lab
Classification: Uncertain significance for Familial hypokalemia-hypomagnesemia. Last evaluated: 2021-07-15. Review status: criteria provided, single submitter. Criteria: ACMG Guidelines, 2015. Collection method: clinical testing. Allele origin: germline. Affected: no.

GeneDx
Classification: Uncertain significance. Last evaluated: 2019-11-07. Review status: criteria provided, single submitter. Criteria: GeneDx Variant Classification Process June 2021. Collection method: clinical testing. Allele origin: germline. Affected: yes.
Comment: In silico analysis, which includes protein predictors and evolutionary conservation, supports that this variant does not alter protein structure/function; This variant is associated with the following publications: (PMID: 20981092, 18362449, 10616841, 16966826, 15069170, 26041598, 15198479, 30596175, 32884933, 33348466)

Illumina Laboratory Services, Illumina
Classification: Uncertain significance for Familial hypokalemia-hypomagnesemia. Last evaluated: 2017-04-27. Review status: criteria provided, single submitter. Criteria: ICSL Variant Classification Criteria 13 December 2019. Collection method: clinical testing. Allele origin: germline.
Comment: This variant was observed as part of a predisposition screen in an ostensibly healthy population. A literature search was performed for the gene, cDNA change, and amino acid change (where applicable). Publications were found based on this search. However, the evidence from the literature, in combination with allele frequency data from public databases where available, was not sufficient to rule this variant in or out of causing disease. Therefore, this variant is classified as a variant of unknown significance.

Soonchunhyang University Bucheon Hospital, Soonchunhyang University Medical Center
Classification: Uncertain significance for Familial hypokalemia-hypomagnesemia. Last evaluated: 2016-03-18. Review status: criteria provided, single submitter. Criteria: ACMG Guidelines, 2015. Collection method: reference population. Allele origin: germline. Observed: 1 variant allele.

Literature cited by the submitters: PubMed 20810575 (cited by Labcorp Genetics (formerly Invitae), Labcorp and Illumina Laboratory Services, Illumina); PubMed 26041598 (cited by Labcorp Genetics (formerly Invitae), Labcorp); PubMed 26770037 (cited by Labcorp Genetics (formerly Invitae), Labcorp); PubMed 30596175 (cited by Labcorp Genetics (formerly Invitae), Labcorp); PubMed 32884933 (cited by Labcorp Genetics (formerly Invitae), Labcorp); PubMed 34373523 (cited by Labcorp Genetics (formerly Invitae), Labcorp); PubMed 15069170 (cited by Illumina Laboratory Services, Illumina); PubMed 16966826 (cited by Illumina Laboratory Services, Illumina); PubMed 10616841 (cited by Illumina Laboratory Services, Illumina and Soonchunhyang University Bucheon Hospital, Soonchunhyang University Medical Center); PubMed 15198479 (cited by Illumina Laboratory Services, Illumina); PubMed 18362449 (cited by Illumina Laboratory Services, Illumina); PubMed 20981092 (cited by Soonchunhyang University Bucheon Hospital, Soonchunhyang University Medical Center).

NM_001126108.2(SLC12A3):c.1706C>T (p.Ala569Val)

Gene: SLC12A3 (solute carrier family 12 member 3; plus strand). Cytogenetic location: 16q13.
Variant type: single nucleotide variant.
Coding change: c.1706C>T on transcript NM_001126108.2 (MANE Select); coding-DNA position 1706, C replaced by T.
Protein change: p.Ala569Val; replaces alanine 569 with valine.
Molecular consequence: missense variant.
Genome position (GRCh38, 1-based): chr16:56,884,085, C>T. VCF-style: chr16-56884085-C-T. GRCh37 (hg19) VCF-style: chr16-56917997-C-T.
Other names: c.1706C>T, p.Ala569Val (NM_000339.3); c.1703C>T, p.Ala568Val (NM_001126107.2); short protein forms A569V, A568V.
Identifiers: ClinVar variation 225468 (VCV000225468.14), dbSNP rs79351185, ClinGen allele CA8069582.
Genomic context (GRCh38, chr16:56,884,085, plus strand): 5'-CACTGACTGGTGCCCTTGGCCCAGGGTGGAGACCTTCATTCCAATACTACAACAAGTGGG[C>T]GGCGCTGTTTGGGGCTATCATCTCCGTGGTCATCATGTTCCTCCTCACCTGGTGGGCGGC-3'
Protein context (NP_001119580.2, residues 559-579): RPSFQYYNKW[Ala569Val]ALFGAIISVV